The following is an entry in ClinVar:

ClinVar aggregate classification (germline): Likely benign (1 of 4 stars; one submission).

gnomAD v4.1: 18 of 399,278 alleles (0.0045%); highest among the groups gnomAD compares: African/African-American, 0.018%; no homozygotes.

Submission:

CeGaT Center for Human Genetics Tuebingen
Classification: Likely benign. Last evaluated: 2026-09-01. Review status: criteria provided, single submitter. Criteria: CeGaT Center For Human Genetics Tuebingen Variant Classification Criteria Version 2. Collection method: clinical testing. Allele origin: germline. Affected: yes. Observed: 1 variant allele.
Comment: CIC: BP4, BP7

NM_001386298.1(CIC):c.2367C>T (p.Ala789=)

Gene: CIC (capicua transcriptional repressor; plus strand). Cytogenetic location: 19q13.2.
Variant type: single nucleotide variant.
Coding change: c.2367C>T on transcript NM_001386298.1 (MANE Select); coding-DNA position 2367, C replaced by T.
Protein change: p.Ala789=; no amino-acid change (alanine 789 retained).
Molecular consequence: synonymous variant.
Genome position (GRCh38, 1-based): chr19:42,274,150, C>T. VCF-style: chr19-42274150-C-T. GRCh37 (hg19) VCF-style: chr19-42778302-C-T.
Other names: c.2367C>T, p.Ala789= (NM_001304815.2, NM_001379480.1, NM_001379482.1 and 6 more transcripts).
Identifiers: ClinVar variation 5041225 (VCV005041225.1).
Genomic context (GRCh38, chr19:42,274,150, plus strand): 5'-TGCTGTGCCCTTCTCTCGCTCCCGCCAGCCCTCACCATTGCTGCTGTTGCCACCCCCTGC[C>T]GGCCTGACCTCGGATCCAGGGCCCTCTGTGCGCAGGGTGCCTGCTGTGCAGCGGGACTCA-3'
Protein context (NP_001373227.1, residues 779-799): PSPLLLLPPP[Ala789=]GLTSDPGPSV